The following is an entry in ClinVar:

NM_144687.4(NLRP12):c.193G>T (p.Gly65Trp)

Gene: NLRP12 (NLR family pyrin domain containing 12; minus strand). Cytogenetic location: 19q13.42.
Variant type: single nucleotide variant.
Coding change: c.193G>T on transcript NM_144687.4 (MANE Select); coding-DNA position 193, G replaced by T.
Protein change: p.Gly65Trp; replaces glycine 65 with tryptophan.
Molecular consequence: missense variant.
Genome position (GRCh38, 1-based): chr19:53,823,982, C>A on the plus strand (G>T on the coding strand, the complement: NLRP12 is on the minus strand). VCF-style: chr19-53823982-C-A. GRCh37 (hg19) VCF-style: chr19-54327236-C-A.
Other names: c.193G>T, p.Gly65Trp (NM_001277126.2, NM_001277129.1); short protein forms G65W.
Identifiers: ClinVar variation 4744700 (VCV004744700.1).
Genomic context (GRCh38, chr19:53,823,982, plus strand): 5'-GGTCCTTCCTGTTTATCCGCTCAAAGGTGCTGAGAGCCAACCTCCAGGCCTCCTCTGGCC[C>A]GAAGTGGGTGATGAGCAGCTGGGCCATTTCCAGGGGACCGGCCTTCTCCATGCTTCCCCA-3'
Protein context (NP_653288.1, residues 55-75): EMAQLLITHF[Gly65Trp]PEEAWRLALS

ClinVar aggregate classification (germline): Uncertain significance (1 of 4 stars; one submission).

Conditions:
Familial cold autoinflammatory syndrome 2 (FCAS2). Identifiers: Orphanet 247868, MedGen C2673198, MONDO:0012724, OMIM 611762.

Submission:

Labcorp Genetics (formerly Invitae), Labcorp
Classification: Uncertain significance for Familial cold autoinflammatory syndrome 2. Last evaluated: 2025-11-12. Review status: criteria provided, single submitter. Criteria: Invitae Variant Classification Sherloc (09022015). Collection method: clinical testing. Allele origin: germline.
Comment: This sequence change replaces glycine, which is neutral and non-polar, with tryptophan, which is neutral and slightly polar, at codon 65 of the NLRP12 protein (p.Gly65Trp). This variant is not present in population databases (gnomAD no frequency). This variant has not been reported in the literature in individuals affected with NLRP12-related conditions. Invitae Evidence Modeling of protein sequence and biophysical properties (such as structural, functional, and spatial information, amino acid conservation, physicochemical variation, residue mobility, and thermodynamic stability) indicates that this missense variant is expected to disrupt NLRP12 protein function with a positive predictive value of 80%. In summary, the available evidence is currently insufficient to determine the role of this variant in disease. Therefore, it has been classified as a Variant of Uncertain Significance.